The following is an entry in ClinVar:

ClinVar aggregate classification (germline): Uncertain significance (1 of 4 stars; one submission).

Conditions:
OPLAH-related disorder. Also called: OPLAH-related condition.

gnomAD v4.1: 1 of 1,588,156 alleles (0.000063%); highest among the groups gnomAD compares: Non-Finnish European, 0.000086%; no homozygotes.

Submission:

PreventionGenetics, part of Exact Sciences
Classification: Uncertain significance for OPLAH-related condition. Last evaluated: 2025-12-22. Review status: criteria provided, single submitter. Criteria: ACMG Guidelines, 2015. Collection method: clinical testing. Allele origin: germline.
Comment: The OPLAH c.2128G>A variant is predicted to result in the amino acid substitution p.Glu710Lys. To our knowledge, this variant has not been reported in the literature. This variant is reported in 0.0011% of alleles in individuals of European (Non-Finnish) descent in gnomAD. At this time, the clinical significance of this variant is uncertain due to the absence of conclusive functional and genetic evidence.

NM_017570.5(OPLAH):c.2128G>A (p.Glu710Lys)

Gene: OPLAH (5-oxoprolinase, ATP-hydrolysing; minus strand). Cytogenetic location: 8q24.3.
Variant type: single nucleotide variant.
Coding change: c.2128G>A on transcript NM_017570.5 (MANE Select); coding-DNA position 2128, G replaced by A.
Protein change: p.Glu710Lys; replaces glutamic acid 710 with lysine.
Molecular consequence: missense variant.
Genome position (GRCh38, 1-based): chr8:144,055,908, C>T on the plus strand (G>A on the coding strand, the complement: OPLAH is on the minus strand). VCF-style: chr8-144055908-C-T. GRCh37 (hg19) VCF-style: chr8-145110811-C-T.
Other names: short protein forms E710K.
Identifiers: ClinVar variation 4991736 (VCV004991736.1).